The following is an entry in ClinVar:

ClinVar aggregate classification (germline): Uncertain significance (1 of 4 stars; one submission).

Conditions:
Ullrich congenital muscular dystrophy 2 (UCMD2). Identifiers: Orphanet 75840, MedGen C4225314, MONDO:0014654, OMIM 616470.
Bethlem myopathy 2 (BTHLM2). Identifiers: Orphanet 536516, Orphanet 610, MedGen C4225313, MONDO:0034022, OMIM 616471.

Submission:

Labcorp Genetics (formerly Invitae), Labcorp
Classification: Uncertain significance for Bethlem myopathy 2; Ullrich congenital muscular dystrophy 2. Last evaluated: 2021-02-16. Review status: criteria provided, single submitter. Criteria: Invitae Variant Classification Sherloc (09022015). Collection method: clinical testing. Allele origin: germline.
Comment: In summary, the available evidence is currently insufficient to determine the role of this variant in disease. Therefore, it has been classified as a Variant of Uncertain Significance. Algorithms developed to predict the effect of sequence changes on RNA splicing suggest that this variant may create or strengthen a splice site, but this prediction has not been confirmed by published transcriptional studies. This variant has not been reported in the literature in individuals with COL12A1-related conditions. This variant is not present in population databases (ExAC no frequency). This sequence change affects codon 1502 of the COL12A1 mRNA. It is a 'silent' change, meaning that it does not change the encoded amino acid sequence of the COL12A1 protein.

NM_004370.6(COL12A1):c.4506C>G (p.Gly1502=)

Gene: COL12A1 (collagen type XII alpha 1 chain; minus strand). Cytogenetic location: 6q13.
Variant type: single nucleotide variant.
Coding change: c.4506C>G on transcript NM_004370.6 (MANE Select); coding-DNA position 4506, C replaced by G.
Protein change: p.Gly1502=; no amino-acid change (glycine 1502 retained).
Molecular consequence: synonymous variant.
Genome position (GRCh38, 1-based): chr6:75,146,156, G>C on the plus strand (C>G on the coding strand, the complement: COL12A1 is on the minus strand). VCF-style: chr6-75146156-G-C. GRCh37 (hg19) VCF-style: chr6-75855872-G-C.
Other names: c.1014C>G, p.Gly338= (NM_080645.3).
Identifiers: ClinVar variation 1373100 (VCV001373100.8), dbSNP rs199901074, ClinGen allele CA450924205.